The following is an entry in ClinVar:

ClinVar aggregate classification (germline): Uncertain significance (1 of 4 stars; one submission).

Conditions:
CHARGE syndrome (CHARGE). Also called: Hittner Hirsch Kreh syndrome; CHARGE ASSOCIATION--COLOBOMA, HEART ANOMALY, CHOANAL ATRESIA, RETARDATION, GENITAL AND EAR ANOMALIES; Coloboma, heart anomaly, choanal atresia, retardation, genital and ear anomalies; CHARGE association; Hall-Hittner syndrome. Identifiers: Orphanet 138, MedGen C0265354, MONDO:0008965.

Submission:

Labcorp Genetics (formerly Invitae), Labcorp
Classification: Uncertain significance for CHARGE syndrome. Last evaluated: 2025-04-14. Review status: criteria provided, single submitter. Criteria: Invitae Variant Classification Sherloc (09022015). Collection method: clinical testing. Allele origin: germline.
Comment: This sequence change replaces leucine, which is neutral and non-polar, with proline, which is neutral and non-polar, at codon 2497 of the CHD7 protein (p.Leu2497Pro). This variant is not present in population databases (gnomAD no frequency). This variant has not been reported in the literature in individuals affected with CHD7-related conditions. ClinVar contains an entry for this variant (Variation ID: 2801570). Invitae Evidence Modeling of protein sequence and biophysical properties (such as structural, functional, and spatial information, amino acid conservation, physicochemical variation, residue mobility, and thermodynamic stability) indicates that this missense variant is not expected to disrupt CHD7 protein function with a negative predictive value of 80%. In summary, the available evidence is currently insufficient to determine the role of this variant in disease. Therefore, it has been classified as a Variant of Uncertain Significance.

NM_017780.4(CHD7):c.7490T>C (p.Leu2497Pro)

Gene: CHD7 (chromodomain helicase DNA binding protein 7; plus strand). Cytogenetic location: 8q12.2.
Variant type: single nucleotide variant.
Coding change: c.7490T>C on transcript NM_017780.4 (MANE Select); coding-DNA position 7490, T replaced by C.
Protein change: p.Leu2497Pro; replaces leucine 2497 with proline.
Molecular consequence: missense variant. On other transcripts: intron variant (1).
Genome position (GRCh38, 1-based): chr8:60,856,770, T>C. VCF-style: chr8-60856770-T-C. GRCh37 (hg19) VCF-style: chr8-61769329-T-C.
Other names: c.1717-5459T>C (NM_001316690.1); short protein forms L2497P.
Identifiers: ClinVar variation 2801570 (VCV002801570.3), dbSNP rs2488077376, ClinGen allele CA371302000.